The following is an entry in ClinVar:

ClinVar aggregate classification (germline): Uncertain significance (1 of 4 stars; one submission).

Conditions:
Sulfite oxidase deficiency due to molybdenum cofactor deficiency type A. Also called: Molybdenum cofactor deficiency, complementation group A; Molybdenum Cofactor Deficiency A. Identifiers: Orphanet 308386, Orphanet 833, MedGen C1854988, MONDO:0009643, OMIM 252150.

Allele frequency attached by ClinVar (database versions not stated): gnomAD exomes below 0.00001; TOPMed 0.00001.
gnomAD v4.1: 1 of 1,614,106 alleles (0.000062%); highest among the groups gnomAD compares: Admixed American, 0.0017%; no homozygotes.

Submission:

Labcorp Genetics (formerly Invitae), Labcorp
Classification: Uncertain significance for Sulfite oxidase deficiency due to molybdenum cofactor deficiency type A. Last evaluated: 2022-07-13. Review status: criteria provided, single submitter. Criteria: Invitae Variant Classification Sherloc (09022015). Collection method: clinical testing. Allele origin: germline.
Comment: This sequence change replaces alanine, which is neutral and non-polar, with serine, which is neutral and polar, at codon 532 of the MOCS1 protein (p.Ala532Ser). This variant is present in population databases (no rsID available, gnomAD 0.003%). This variant has not been reported in the literature in individuals affected with MOCS1-related conditions. Algorithms developed to predict the effect of missense changes on protein structure and function are either unavailable or do not agree on the potential impact of this missense change (SIFT: "Not Available"; PolyPhen-2: "Probably Damaging"; Align-GVGD: "Not Available"). In summary, the available evidence is currently insufficient to determine the role of this variant in disease. Therefore, it has been classified as a Variant of Uncertain Significance.

NM_001358530.2(MOCS1):c.1594G>T (p.Ala532Ser)

Gene: MOCS1 (molybdenum cofactor synthesis 1; minus strand). Cytogenetic location: 6p21.2.
Variant type: single nucleotide variant.
Coding change: c.1594G>T on transcript NM_001358530.2 (MANE Select); coding-DNA position 1594, G replaced by T.
Protein change: p.Ala532Ser; replaces alanine 532 with serine.
Molecular consequence: missense variant. On other transcripts: 3 prime UTR variant (4), non-coding transcript variant (1).
Genome position (GRCh38, 1-based): chr6:39,906,674, C>A on the plus strand (G>T on the coding strand, the complement: MOCS1 is on the minus strand). VCF-style: chr6-39906674-C-A. GRCh37 (hg19) VCF-style: chr6-39874450-C-A.
Other names: c.*451G>T (NM_001075098.4, NM_001358533.2, NM_001358534.2 and 1 more transcripts); c.1546G>T, p.Ala516Ser (NM_001358529.2); c.1333G>T, p.Ala445Ser (NM_001358531.2); short protein forms A445S, A516S, A532S.
Identifiers: ClinVar variation 2042503 (VCV002042503.1), dbSNP rs901020970, ClinGen allele CA137647262.